The following is an entry in ClinVar:

NM_001849.4(COL6A2):c.2623G>A (p.Ala875Thr)

Gene: COL6A2 (collagen type VI alpha 2 chain; plus strand). Cytogenetic location: 21q22.3.
Variant type: single nucleotide variant.
Coding change: c.2623G>A on transcript NM_001849.4 (MANE Select); coding-DNA position 2623, G replaced by A.
Protein change: p.Ala875Thr; replaces alanine 875 with threonine.
Molecular consequence: missense variant.
Genome position (GRCh38, 1-based): chr21:46,132,115, G>A. VCF-style: chr21-46132115-G-A. GRCh37 (hg19) VCF-style: chr21-47552029-G-A.
Other names: p.Ala875Thr; short protein forms A875T.
Identifiers: ClinVar variation 288567 (VCV000288567.55), dbSNP rs199606147, ClinGen allele CA10072954.

ClinVar aggregate classification (germline): Conflicting classifications of pathogenicity. Review status: criteria provided, conflicting classifications (1 of 4 stars). 11 submissions from 11 submitters: Uncertain significance (10); Likely benign (1). Last evaluated 2026-05-20.

Conditions:
Inborn genetic diseases. Identifiers: MedGen C0950123, MeSH D030342.
Collagen 6-related myopathy. Identifiers: MedGen CN117976, MONDO:0100225.
Ullrich congenital muscular dystrophy 1A. Also called: Ullrich congenital muscular dystrophy 1; Intermediate COL6-RD. Identifiers: Orphanet 75840, MedGen C0410179, MONDO:0009681, OMIM 254090.
Bethlem myopathy 1A. Also called: Bethlem myopathy 1; Bethlem Muscular Dystrophy; MYOPATHY, BENIGN CONGENITAL, WITH CONTRACTURES. Identifiers: Orphanet 610, MedGen CN029274, MONDO:0024530, OMIM 158810.

Allele frequency attached by ClinVar (database versions not stated): TOPMed 0.00014; gnomAD exomes 0.00016 and 0.00020; gnomAD 0.00019 and 0.00020; 1000 Genomes Project 30x 0.00031; ESP Exome Variant Server 0.00039; 1000 Genomes Project 0.00040; ExAC 0.00044.
gnomAD v4.1: 271 of 1,583,720 alleles (0.017%); highest among the groups gnomAD compares: African/African-American, 0.071%; 1 homozygote.

Submissions (11):

Women's Health and Genetics/Laboratory Corporation of America, LabCorp
Classification: Uncertain significance. Last evaluated: 2026-05-20. Review status: criteria provided, single submitter. Criteria: LabCorp Variant Classification Summary - May 2015. Collection method: clinical testing. Allele origin: germline.
Comment: Variant summary: COL6A2 c.2623G>A (p.Ala875Thr) results in a non-conservative amino acid change in the encoded protein sequence. Algorithms developed to predict the effect of missense changes on protein structure and function all suggest that this variant is likely to be disruptive. The variant allele was found at a frequency of 0.0002 in 193110 control chromosomes. This frequency is not significantly higher than estimated for disease-causing variants in COL6A2, allowing no conclusion about variant significance. To our knowledge, no occurrence of c.2623G>A in individuals affected with COL6A2-related conditions and no experimental evidence demonstrating its impact on protein function have been reported. ClinVar contains an entry for this variant (Variation ID: 288567). Based on the evidence outlined above, the variant was classified as uncertain significance.

Labcorp Genetics (formerly Invitae), Labcorp
Classification: Likely benign for Bethlem myopathy 1A. Last evaluated: 2026-01-25. Review status: criteria provided, single submitter. Criteria: Invitae Variant Classification Sherloc (09022015). Collection method: clinical testing. Allele origin: germline.

Mayo Clinic Laboratories, Mayo Clinic
Classification: Uncertain significance. Last evaluated: 2025-06-27. Review status: criteria provided, single submitter. Criteria: ACMG Guidelines, 2015. Collection method: clinical testing. Allele origin: germline. Observed: 1 variant allele.

Revvity Omics, Revvity
Classification: Uncertain significance. Last evaluated: 2024-06-11. Review status: criteria provided, single submitter. Criteria: ACMG Guidelines, 2015. Collection method: clinical testing. Allele origin: germline.

CeGaT Center for Human Genetics Tuebingen
Classification: Uncertain significance. Last evaluated: 2022-11-01. Review status: criteria provided, single submitter. Criteria: CeGaT Center For Human Genetics Tuebingen Variant Classification Criteria Version 2. Collection method: clinical testing. Allele origin: germline. Affected: yes. Observed: 1 variant allele.

Department of Pathology and Laboratory Medicine, Sinai Health System
Classification: Uncertain significance for collagen 6-related myopathy. Last evaluated: 2022-01-06. Review status: criteria provided, single submitter. Criteria: ACMG Guidelines, 2015. Collection method: research. Allele origin: germline.

Institute for Clinical Genetics, University Hospital TU Dresden, University Hospital TU Dresden
Classification: Uncertain significance. Last evaluated: 2021-11-03. Review status: criteria provided, single submitter. Criteria: ACMG Guidelines, 2015. Collection method: clinical testing. Allele origin: germline.

Ambry Genetics
Classification: Uncertain significance for Inborn genetic diseases. Last evaluated: 2021-07-13. Review status: criteria provided, single submitter. Criteria: Ambry Variant Classification Scheme 2023. Collection method: clinical testing. Allele origin: germline.

Knight Diagnostic Laboratories, Oregon Health and Sciences University
Classification: Uncertain significance for Ullrich congenital muscular dystrophy 1, autosomal recessive. Last evaluated: 2019-11-18. Review status: criteria provided, single submitter. Criteria: ACMG Guidelines, 2015. Collection method: clinical testing. Allele origin: germline. Observed: 1 variant allele.

GeneDx
Classification: Uncertain significance. Last evaluated: 2019-04-05. Review status: criteria provided, single submitter. Criteria: GeneDx Variant Classification Process June 2021. Collection method: clinical testing. Allele origin: germline. Affected: yes.
Comment: In silico analysis, which includes protein predictors and evolutionary conservation, supports that this variant does not alter protein structure/function; Has not been previously published as pathogenic or benign to our knowledge

Eurofins Ntd Llc (ga)
Classification: Uncertain significance. Last evaluated: 2016-07-15. Review status: criteria provided, single submitter. Criteria: EGL Classification Definitions 2015. Collection method: clinical testing. Allele origin: germline. Observed: 1 variant allele, 1 heterozygote.